The following is an entry in ClinVar:

NM_178857.6(RP1L1):c.22G>A (p.Ala8Thr)

Gene: RP1L1 (RP1 like 1). Cytogenetic location: 8p23.1.
Variant type: single nucleotide variant.
Coding change: c.22G>A on transcript NM_178857.6 (MANE Select); coding-DNA position 22, G replaced by A.
Protein change: p.Ala8Thr; replaces alanine 8 with threonine.
Molecular consequence: missense variant.
Genome position (GRCh38, 1-based): chr8:10,623,180, C>T on the plus strand (G>A on the coding strand, the complement: RP1L1 is on the minus strand). VCF-style: chr8-10623180-C-T. GRCh37 (hg19) VCF-style: chr8-10480690-C-T.
Other names: c.22G>A (NM_178857.5); short protein forms A8T.
Identifiers: ClinVar variation 1461917 (VCV001461917.8), dbSNP rs371756047, ClinGen allele CA4625916.

ClinVar aggregate classification (germline): Uncertain significance. Review status: criteria provided, multiple submitters, no conflicts (2 of 4 stars). 2 submissions from 2 submitters: Uncertain significance (2). Last evaluated 2025-09-25.

Conditions:
Inborn genetic diseases. Identifiers: MedGen C0950123, MeSH D030342.

Allele frequency attached by ClinVar (database versions not stated): ExAC 0.00002; gnomAD exomes 0.00002; gnomAD 0.00003 and 0.00004; ESP Exome Variant Server 0.00008.

Submissions (2):

Ambry Genetics
Classification: Uncertain significance for Inborn genetic diseases. Last evaluated: 2025-09-25. Review status: criteria provided, single submitter. Criteria: Ambry Variant Classification Scheme 2023. Collection method: clinical testing. Allele origin: germline.

Labcorp Genetics (formerly Invitae), Labcorp
Classification: Uncertain significance. Last evaluated: 2024-04-09. Review status: criteria provided, single submitter. Criteria: Invitae Variant Classification Sherloc (09022015). Collection method: clinical testing. Allele origin: germline.
Comment: This sequence change replaces alanine, which is neutral and non-polar, with threonine, which is neutral and polar, at codon 8 of the RP1L1 protein (p.Ala8Thr). This variant is present in population databases (rs371756047, gnomAD 0.02%). This variant has not been reported in the literature in individuals affected with RP1L1-related conditions. ClinVar contains an entry for this variant (Variation ID: 1461917). Advanced modeling of protein sequence and biophysical properties (such as structural, functional, and spatial information, amino acid conservation, physicochemical variation, residue mobility, and thermodynamic stability) performed at Invitae indicates that this missense variant is not expected to disrupt RP1L1 protein function with a negative predictive value of 80%. In summary, the available evidence is currently insufficient to determine the role of this variant in disease. Therefore, it has been classified as a Variant of Uncertain Significance.